The following is an entry in ClinVar:

NM_032444.4(SLX4):c.1468C>T (p.Leu490Phe)

Gene: SLX4 (SLX4 structure-specific endonuclease subunit; minus strand). Cytogenetic location: 16p13.3.
Variant type: single nucleotide variant.
Coding change: c.1468C>T on transcript NM_032444.4 (MANE Select); coding-DNA position 1468, C replaced by T.
Protein change: p.Leu490Phe; replaces leucine 490 with phenylalanine.
Molecular consequence: missense variant.
Genome position (GRCh38, 1-based): chr16:3,597,594, G>A on the plus strand (C>T on the coding strand, the complement: SLX4 is on the minus strand). VCF-style: chr16-3597594-G-A. GRCh37 (hg19) VCF-style: chr16-3647595-G-A.
Other names: short protein forms L490F.
Identifiers: ClinVar variation 2646117 (VCV002646117.27), dbSNP rs1567174010, ClinGen allele CA394529007.

ClinVar aggregate classification (germline): Uncertain significance. Review status: criteria provided, multiple submitters, no conflicts (2 of 4 stars). 3 submissions from 3 submitters: Uncertain significance (3). Last evaluated 2025-01-29.

Conditions:
Fanconi anemia complementation group P. Also called: SLX4-Related Fanconi Anemia. Identifiers: Orphanet 84, MedGen C3469542, MONDO:0013499, OMIM 613951.
Fanconi anemia (FA). Also called: Fanconi's anemia. Identifiers: Orphanet 84, MedGen C0015625, MeSH D005199, MONDO:0019391.

Allele frequency attached by ClinVar (database versions not stated): gnomAD 0.00001.
gnomAD v4.1: 7 of 1,614,028 alleles (0.00043%); highest among the groups gnomAD compares: Non-Finnish European, 0.00051%; no homozygotes.

Submissions (3):

Labcorp Genetics (formerly Invitae), Labcorp
Classification: Uncertain significance for Fanconi anemia. Last evaluated: 2025-01-29. Review status: criteria provided, single submitter. Criteria: Invitae Variant Classification Sherloc (09022015). Collection method: clinical testing. Allele origin: germline.
Comment: This sequence change replaces leucine, which is neutral and non-polar, with phenylalanine, which is neutral and non-polar, at codon 490 of the SLX4 protein (p.Leu490Phe). This variant is not present in population databases (gnomAD no frequency). This variant has not been reported in the literature in individuals affected with SLX4-related conditions. ClinVar contains an entry for this variant (Variation ID: 2646117). An algorithm developed to predict the effect of missense changes on protein structure and function (PolyPhen-2) suggests that this variant is likely to be disruptive. In summary, the available evidence is currently insufficient to determine the role of this variant in disease. Therefore, it has been classified as a Variant of Uncertain Significance.

Fulgent Genetics
Classification: Uncertain significance for Fanconi anemia complementation group P. Last evaluated: 2024-06-01. Review status: criteria provided, single submitter. Criteria: ACMG Guidelines, 2015. Collection method: clinical testing. Allele origin: germline.

CeGaT Center for Human Genetics Tuebingen
Classification: Uncertain significance. Last evaluated: 2023-03-01. Review status: criteria provided, single submitter. Criteria: CeGaT Center For Human Genetics Tuebingen Variant Classification Criteria Version 2. Collection method: clinical testing. Allele origin: germline. Affected: yes. Observed: 1 variant allele.
Comment: SLX4: PM2, BP4